The following is an entry in ClinVar:

NM_000257.4(MYH7):c.2630T>A (p.Met877Lys)

Genes: MYH7 (myosin heavy chain 7; minus strand), LOC126861898 (BRD4-independent group 4 enhancer GRCh37_chr14:23893609-23894808; plus strand). Cytogenetic location: 14q11.2.
Variant type: single nucleotide variant.
Coding change: c.2630T>A on transcript NM_000257.4 (MANE Select); coding-DNA position 2630, T replaced by A.
Protein change: p.Met877Lys; replaces methionine 877 with lysine.
Molecular consequence: missense variant.
Genome position (GRCh38, 1-based): chr14:23,424,818, A>T on the plus strand (T>A on the coding strand, the complement: MYH7 is on the minus strand). VCF-style: chr14-23424818-A-T. GRCh37 (hg19) VCF-style: chr14-23894027-A-T.
Other names: short protein forms M877K.
Identifiers: ClinVar variation 1067175 (VCV001067175.9), dbSNP rs1282663873, ClinGen allele CA389047946.

ClinVar aggregate classification (germline): Likely pathogenic (1 of 4 stars; one submission).

Conditions:
Hypertrophic cardiomyopathy. Also called: HYPERTROPHIC MYOCARDIOPATHY. Identifiers: Orphanet 217569, MedGen C0007194, MeSH D002312, MONDO:0005045, HP:0001639.

Submission:

Labcorp Genetics (formerly Invitae), Labcorp
Classification: Likely pathogenic for Hypertrophic cardiomyopathy. Last evaluated: 2020-09-15. Review status: criteria provided, single submitter. Criteria: Invitae Variant Classification Sherloc (09022015). Collection method: clinical testing. Allele origin: germline.
Comment: In summary, the currently available evidence indicates that the variant is pathogenic, but additional data are needed to prove that conclusively. Therefore, this variant has been classified as Likely Pathogenic. This sequence change replaces methionine with lysine at codon 877 of the MYH7 protein (p.Met877Lys). The methionine residue is highly conserved and there is a moderate physicochemical difference between methionine and lysine. This variant is not present in population databases (ExAC no frequency). This variant has been observed in individual(s) with hypertrophic cardiomyopathy (PMID: 11133230, 22429680). In at least one individual the variant was observed to be de novo. Algorithms developed to predict the effect of missense changes on protein structure and function are either unavailable or do not agree on the potential impact of this missense change (SIFT: "Deleterious"; PolyPhen-2: "Possibly Damaging"; Align-GVGD: "Class C0"). This variant disrupts the p.Met877 amino acid residue in MYH7. Other variant(s) that disrupt this residue have been determined to be pathogenic (PMID: 27532257, 27737317, 28699631). This suggests that this residue is clinically significant, and that variants that disrupt this residue are likely to be disease-causing.

Literature cited by the submitters: PubMed 11133230; PubMed 22429680; PubMed 27532257; PubMed 27737317; PubMed 28699631.